The following is an entry in ClinVar:

ClinVar aggregate classification (germline): Uncertain significance (1 of 4 stars; one submission).

Conditions:
Hyperammonemic encephalopathy due to carbonic anhydrase VA deficiency. Also called: Carbonic Anhydrase VA Deficiency; Carbonic anhydrase VA deficiency, hyperammonemia due to. Identifiers: Orphanet 401948, MedGen C4706871, MONDO:0014332, OMIM 615751.

gnomAD v4.1: 1 of 1,613,636 alleles (0.000062%); highest among the groups gnomAD compares: Non-Finnish European, 0.000085%; no homozygotes.

Submission:

Labcorp Genetics (formerly Invitae), Labcorp
Classification: Uncertain significance for Hyperammonemic encephalopathy due to carbonic anhydrase VA deficiency. Last evaluated: 2025-07-07. Review status: criteria provided, single submitter. Criteria: Invitae Variant Classification Sherloc (09022015). Collection method: clinical testing. Allele origin: germline.
Comment: This sequence change replaces leucine, which is neutral and non-polar, with valine, which is neutral and non-polar, at codon 186 of the CA5A protein (p.Leu186Val). This variant is not present in population databases (gnomAD no frequency). This variant has not been reported in the literature in individuals affected with CA5A-related conditions. ClinVar contains an entry for this variant (Variation ID: 1515219). An algorithm developed to predict the effect of missense changes on protein structure and function outputs the following: PolyPhen-2: "Benign". The valine amino acid residue is found in multiple mammalian species, which suggests that this missense change does not adversely affect protein function. In summary, the available evidence is currently insufficient to determine the role of this variant in disease. Therefore, it has been classified as a Variant of Uncertain Significance.

NM_001739.2(CA5A):c.556C>G (p.Leu186Val)

Gene: CA5A (carbonic anhydrase 5A; minus strand). Cytogenetic location: 16q24.2.
Variant type: single nucleotide variant.
Coding change: c.556C>G on transcript NM_001739.2 (MANE Select); coding-DNA position 556, C replaced by G.
Protein change: p.Leu186Val; replaces leucine 186 with valine.
Molecular consequence: missense variant. On other transcripts: non-coding transcript variant (2).
Genome position (GRCh38, 1-based): chr16:87,901,974, G>C on the plus strand (C>G on the coding strand, the complement: CA5A is on the minus strand). VCF-style: chr16-87901974-G-C. GRCh37 (hg19) VCF-style: chr16-87935580-G-C.
Other names: c.556C>G, p.Leu186Val (NM_001367225.1); short protein forms L186V.
Identifiers: ClinVar variation 1515219 (VCV001515219.8), dbSNP rs375321548, ClinGen allele CA397040972.